The following is an entry in ClinVar:

ClinVar aggregate classification (germline): Uncertain significance. Review status: criteria provided, multiple submitters, no conflicts (2 of 4 stars). 2 submissions from 2 submitters: Uncertain significance (2). Last evaluated 2023-05-18.

Conditions:
Hereditary cancer-predisposing syndrome. Also called: Tumor predisposition; Hereditary neoplastic syndrome; Neoplastic Syndromes, Hereditary; Hereditary Cancer Syndrome. Identifiers: Orphanet 140162, MedGen C0027672, MeSH D009386, MONDO:0015356.
Multiple endocrine neoplasia, type 1 (MEN1). Also called: MEN I; WERMER SYNDROME; Endocrine adenomatosis multiple; MEN 1; MEA I. Identifiers: Orphanet 652, MedGen C0025267, MeSH D018761, MONDO:0007540, OMIM 131100.

Submissions (2):

Ambry Genetics
Classification: Uncertain significance for Hereditary cancer-predisposing syndrome. Last evaluated: 2023-05-18. Review status: criteria provided, single submitter. Criteria: Ambry Variant Classification Scheme 2023. Collection method: clinical testing. Allele origin: germline.
Comment: The p.S399N variant (also known as c.1196G>A), located in coding exon 8 of the MEN1 gene, results from a G to A substitution at nucleotide position 1196. The serine at codon 399 is replaced by asparagine, an amino acid with highly similar properties. This amino acid position is conserved. In addition, this alteration is predicted to be tolerated by in silico analysis. Since supporting evidence is limited at this time, the clinical significance of this alteration remains unclear.

Labcorp Genetics (formerly Invitae), Labcorp
Classification: Uncertain significance for Multiple endocrine neoplasia, type 1. Last evaluated: 2023-02-01. Review status: criteria provided, single submitter. Criteria: Invitae Variant Classification Sherloc (09022015). Collection method: clinical testing. Allele origin: germline.
Comment: This variant is present in population databases (no rsID available, gnomAD 0.0009%). This sequence change replaces serine, which is neutral and polar, with asparagine, which is neutral and polar, at codon 399 of the MEN1 protein (p.Ser399Asn). This variant has not been reported in the literature in individuals affected with MEN1-related conditions. Algorithms developed to predict the effect of missense changes on protein structure and function (SIFT, PolyPhen-2, Align-GVGD) all suggest that this variant is likely to be tolerated. In summary, the available evidence is currently insufficient to determine the role of this variant in disease. Therefore, it has been classified as a Variant of Uncertain Significance.

NM_001370259.2(MEN1):c.1196G>A (p.Ser399Asn)

Gene: MEN1 (menin 1; minus strand). Cytogenetic location: 11q13.1.
Variant type: single nucleotide variant.
Coding change: c.1196G>A on transcript NM_001370259.2 (MANE Select); coding-DNA position 1196, G replaced by A.
Protein change: p.Ser399Asn; replaces serine 399 with asparagine.
Molecular consequence: missense variant. On other transcripts: non-coding transcript variant (4), intron variant (1).
Genome position (GRCh38, 1-based): chr11:64,805,188, C>T on the plus strand (G>A on the coding strand, the complement: MEN1 is on the minus strand). VCF-style: chr11-64805188-C-T. GRCh37 (hg19) VCF-style: chr11-64572660-C-T.
Other names: c.1211G>A, p.Ser404Asn (NM_000244.4, NM_001407145.1, NM_130800.3 and 4 more transcripts); c.1322G>A, p.Ser441Asn (NM_001370251.2, NM_001407142.1, NM_001407143.1 and 1 more transcripts); c.1196G>A, p.Ser399Asn (NM_001370260.2, NM_001370261.2, NM_001407146.1 and 2 more transcripts); c.1091G>A, p.Ser364Asn (NM_001370262.2, NM_001370263.2, NM_001407148.1 and 1 more transcripts); c.1337G>A, p.Ser446Asn (NM_001407150.1); c.1217G>A, p.Ser406Asn (NM_001407151.1); c.1186-372G>A (NM_001407152.1); short protein forms S399N, S441N, S406N, S364N, S404N, S446N.
Identifiers: ClinVar variation 2562004 (VCV002562004.5), dbSNP rs1334290717, ClinGen allele CA381180786.